The following continues an entry in ClinVar:

NM_206933.4(USH2A):c.11156G>A (p.Arg3719His)

Gene: USH2A. ClinVar aggregate classification (germline): Pathogenic/Likely pathogenic. Pathogenic (14); Likely pathogenic (6).

Submissions 14 to 26 of 26:

Women's Health and Genetics/Laboratory Corporation of America, LabCorp
Classification: Pathogenic for Usher syndrome. Last evaluated: 2023-03-01. Review status: criteria provided, single submitter. Criteria: LabCorp Variant Classification Summary - May 2015. Collection method: clinical testing. Allele origin: germline.
Comment: Variant summary: USH2A c.11156G>A (p.Arg3719His) results in a non-conservative amino acid change located in the Fibronectin type III domain (IPR003961) of the encoded protein sequence. Four of five in-silico tools predict a damaging effect of the variant on protein function. The variant allele was found at a frequency of 5.6e-05 in 251302 control chromosomes. This frequency is not significantly higher than estimated for a pathogenic variant in USH2A causing Usher Syndrome (5.6e-05 vs 0.011), allowing no conclusion about variant significance. c.11156G>A has been reported in the literature in multiple individuals affected with USH2A-related disorders (e.g., Chen_2014, Yang_2015, Gao_2021), and the variant has been shown to segregate with disease in affected family members. These data indicate that the variant is very likely to be associated with disease. 13 ClinVar submitters (evaluation after 2014) have cited the variant with conflicting assessments. Five submitters classified the variant as pathogenic, 7 submitters classified the variant as likely pathogenic, and one submitter classified the variant as uncertain significance. Based on the evidence outlined above, the variant was classified as pathogenic.

Institute of Human Genetics, Univ. Regensburg, Univ. Regensburg
Classification: Likely pathogenic for Retinal dystrophy. Last evaluated: 2023-01-01. Review status: criteria provided, single submitter. Criteria: ACMG Guidelines, 2015. Collection method: clinical testing. Allele origin: germline. Affected: yes.

Revvity Omics, Revvity
Classification: Likely pathogenic. Last evaluated: 2021-08-06. Review status: criteria provided, single submitter. Criteria: ACMG Guidelines, 2015. Collection method: clinical testing. Allele origin: germline.

Genome-Nilou Lab
Classification: Likely pathogenic for Usher syndrome type 2A. Last evaluated: 2021-07-22. Review status: criteria provided, single submitter. Criteria: ACMG Guidelines, 2015. Collection method: clinical testing. Allele origin: germline. Affected: no.

Genome-Nilou Lab
Classification: Likely pathogenic for Retinitis pigmentosa 39. Last evaluated: 2021-07-22. Review status: criteria provided, single submitter. Criteria: ACMG Guidelines, 2015. Collection method: clinical testing. Allele origin: germline. Affected: no.

Ocular Genomics Institute, Massachusetts Eye and Ear
Classification: Likely pathogenic for Retinitis pigmentosa 39. Last evaluated: 2021-04-08. Review status: criteria provided, single submitter. Criteria: ACMG Guidelines, 2015. Collection method: research. Allele origin: germline. Affected: yes.
Comment: Through a review of available evidence we were able to apply the following criteria: PS1, PM2, PP1. Based on this evidence we have classified this variant as Likely Pathogenic.

CeGaT Center for Human Genetics Tuebingen
Classification: Pathogenic. Last evaluated: 2017-10-01. Review status: criteria provided, single submitter. Criteria: CeGaT Center For Human Genetics Tuebingen Variant Classification Criteria Version 2. Collection method: clinical testing. Allele origin: germline. Affected: yes. Observed: 2 variant alleles.

Department of Reproductive Genetics, International Peace Maternity and Child Health Hospital, Shanghai Jiao Tong University School of Medicine
Classification: Pathogenic for Usher syndrome, type 2A. Last evaluated: 2025-05-01. Review status: no assertion criteria provided. Collection method: clinical testing. Allele origin: inherited. Affected: yes. Not counted in ClinVar's aggregate classification.

Department of Clinical Genetics, Copenhagen University Hospital, Rigshospitalet
Classification: Likely pathogenic for Retinitis pigmentosa. Last evaluated: 2018-04-01. Review status: no assertion criteria provided. Collection method: research. Allele origin: unknown. Affected: yes. Study: VeluxRD. Not counted in ClinVar's aggregate classification.

Counsyl
Classification: Likely pathogenic for Usher syndrome type 2A; Retinitis pigmentosa 39. Last evaluated: 2017-01-20. Review status: no assertion criteria provided. Collection method: clinical testing. Allele origin: unknown. Not counted in ClinVar's aggregate classification.

NIHR Bioresource Rare Diseases, University of Cambridge
Classification: Likely pathogenic for Retinitis pigmentosa. Last evaluated: 2015-01-01. Review status: no assertion criteria provided. Collection method: research. Allele origin: unknown. Affected: yes. Observed: 1 variant allele. Not counted in ClinVar's aggregate classification.

Department of Ophthalmology and Visual Sciences Kyoto University
Classification: Likely pathogenic for Usher syndrome, type 2A. Review status: no assertion criteria provided. Collection method: not provided. Allele origin: unknown. Not counted in ClinVar's aggregate classification.
ClinVar note: Converted during submission from probable-pathogenic to Likely pathogenic.

Joint Genome Diagnostic Labs from Nijmegen and Maastricht, Radboudumc and MUMC+
Classification: Uncertain significance for Retinitis pigmentosa 39. Last evaluated: 2016-09-01. Review status: flagged submission. Collection method: clinical testing. Allele origin: inherited. Affected: yes. Observed: 1 variant allele. Not counted in ClinVar's aggregate classification.
ClinVar note: Reason: Older and outlier claim with insufficient supporting evidence

Literature cited by the submitters: PubMed 25133613 (cited by 8 submitters); PubMed 28157192 (cited by 4 submitters); PubMed 29641573 (cited by 3 submitters); PubMed 30190494 (cited by 5 submitters); PubMed 30280194 (cited by 6 submitters); PubMed 31960602 (cited by Variantyx, Inc. and Institute of Human Genetics, Univ. Regensburg, Univ. Regensburg); PubMed 32581362 (cited by Variantyx, Inc. and Institute of Human Genetics, Univ. Regensburg, Univ. Regensburg); PubMed 31736247 (cited by Variantyx, Inc. and Institute of Human Genetics, Univ. Regensburg, Univ. Regensburg); PubMed 26927203 (cited by 3 submitters); PubMed 33105608 (cited by Variantyx, Inc. and Institute of Human Genetics, Univ. Regensburg, Univ. Regensburg); PubMed 33124170 (cited by 4 submitters); PubMed 30029497 (cited by Natera, Inc.); PubMed 31998945 (cited by 3billion); PubMed 26496393 (cited by 3billion and Women's Health and Genetics/Laboratory Corporation of America, LabCorp); PubMed 29625443 (cited by 3 submitters); PubMed 32188678 (cited by Women's Health and Genetics/Laboratory Corporation of America, LabCorp and Institute of Human Genetics, Univ. Regensburg, Univ. Regensburg); PubMed 28559085 (cited by Institute of Human Genetics, Univ. Regensburg, Univ. Regensburg); PubMed 31054281 (cited by Institute of Human Genetics, Univ. Regensburg, Univ. Regensburg); PubMed 31213501 (cited by Institute of Human Genetics, Univ. Regensburg, Univ. Regensburg); PubMed 31964843 (cited by Institute of Human Genetics, Univ. Regensburg, Univ. Regensburg); PubMed 33090715 (cited by Institute of Human Genetics, Univ. Regensburg, Univ. Regensburg); PubMed 32100970 (cited by Institute of Human Genetics, Univ. Regensburg, Univ. Regensburg); PubMed 32531858 (cited by Institute of Human Genetics, Univ. Regensburg, Univ. Regensburg); PubMed 32037395 (cited by Institute of Human Genetics, Univ. Regensburg, Univ. Regensburg); PubMed 34416374 (cited by Institute of Human Genetics, Univ. Regensburg, Univ. Regensburg); PubMed 34426522 (cited by Institute of Human Genetics, Univ. Regensburg, Univ. Regensburg); PubMed 34721897 (cited by Institute of Human Genetics, Univ. Regensburg, Univ. Regensburg); PubMed 33946315 (cited by Institute of Human Genetics, Univ. Regensburg, Univ. Regensburg); PubMed 33691693 (cited by Institute of Human Genetics, Univ. Regensburg, Univ. Regensburg); PubMed 33749171 (cited by Institute of Human Genetics, Univ. Regensburg, Univ. Regensburg); PubMed 32675063 (cited by Institute of Human Genetics, Univ. Regensburg, Univ. Regensburg); PubMed 35266249 (cited by Institute of Human Genetics, Univ. Regensburg, Univ. Regensburg); PubMed 36460718 (cited by Institute of Human Genetics, Univ. Regensburg, Univ. Regensburg); PubMed 35982127 (cited by Institute of Human Genetics, Univ. Regensburg, Univ. Regensburg); PubMed 36819107 (cited by Institute of Human Genetics, Univ. Regensburg, Univ. Regensburg); PubMed 30718709 (cited by Ocular Genomics Institute, Massachusetts Eye and Ear and Department of Clinical Genetics, Copenhagen University Hospital, Rigshospitalet); PubMed 27460420 (cited by Ocular Genomics Institute, Massachusetts Eye and Ear and Counsyl); PubMed 25649381 (cited by Ocular Genomics Institute, Massachusetts Eye and Ear and Counsyl); PubMed 20507924 (cited by Ocular Genomics Institute, Massachusetts Eye and Ear and Counsyl); PubMed 25324289 (cited by Counsyl); PubMed 28041643 (cited by NIHR Bioresource Rare Diseases, University of Cambridge).